The following is an entry in ClinVar:

ClinVar aggregate classification (germline): Uncertain significance (1 of 4 stars; one submission).

Conditions:
Radio-Tartaglia syndrome. Identifiers: Orphanet 662234, MedGen C5543339, MONDO:0859143, OMIM 619312.

Allele frequency attached by ClinVar (database versions not stated): TOPMed below 0.00001.
gnomAD v4.1: 1 of 1,614,144 alleles (0.000062%); no homozygotes.

Submission:

Victorian Clinical Genetics Services, Murdoch Childrens Research Institute
Classification: Uncertain significance for Radio-Tartaglia syndrome. Last evaluated: 2023-12-21. Review status: criteria provided, single submitter. Criteria: ACMG Guidelines, 2015. Collection method: clinical testing. Allele origin: germline. Inheritance: Autosomal dominant inheritance. Affected: yes.
Comment: Based on the classification scheme VCGS_Germline_v1.3.4, this variant is classified as VUS-3B. Following criteria are met: 0102 - Loss of function is a known mechanism of disease in this gene and is associated with Radio-Tartaglia syndrome (MIM#619312). (I) 0107 - This gene is associated with autosomal dominant disease. (I) 0115 - Variants in this gene are known to have variable expressivity (OMIM). (I) 0200 - Variant is predicted to result in a missense amino acid change from aspartic acid to glycine. (I) 0251 - This variant is heterozygous. (I) 0301 - Variant is absent from gnomAD (both v2 and v3). (SP) 0502 - Missense variant with conflicting in silico predictions and uninformative conservation. (I) 0604 - Variant is not located in an established domain, motif, hotspot or informative constraint region. (I) 0705 - No comparable missense variants have previous evidence for pathogenicity. (I) 0807 - This variant has no previous evidence of pathogenicity. (I) 0905 - No published segregation evidence has been identified for this variant. (I) 1007 - No published functional evidence has been identified for this variant. (I) 1208 - Inheritance information for this variant is not currently available in this individual. (I) Legend: (SP) - Supporting pathogenic, (I) - Information, (SB) - Supporting benign

NM_015001.3(SPEN):c.275A>G (p.Asp92Gly)

Gene: SPEN (spen family transcriptional repressor; plus strand). Cytogenetic location: 1p36.21.
Variant type: single nucleotide variant.
Coding change: c.275A>G on transcript NM_015001.3 (MANE Select); coding-DNA position 275, A replaced by G.
Protein change: p.Asp92Gly; replaces aspartic acid 92 with glycine.
Molecular consequence: missense variant.
Genome position (GRCh38, 1-based): chr1:15,873,007, A>G. VCF-style: chr1-15873007-A-G. GRCh37 (hg19) VCF-style: chr1-16199502-A-G.
Other names: short protein forms D92G.
Identifiers: ClinVar variation 3255068 (VCV003255068.1), dbSNP rs2070596812.